The following is an entry in ClinVar:

ClinVar aggregate classification (germline): Uncertain significance (1 of 4 stars; one submission).

Conditions:
RYR1-related disorder. Also called: RYR1-related condition; RYR1-related disorders. Identifiers: MedGen CN239331.

Submission:

Labcorp Genetics (formerly Invitae), Labcorp
Classification: Uncertain significance for RYR1-related disorder. Last evaluated: 2024-02-11. Review status: criteria provided, single submitter. Criteria: Invitae Variant Classification Sherloc (09022015). Collection method: clinical testing. Allele origin: germline.
Comment: This sequence change replaces glutamic acid, which is acidic and polar, with alanine, which is neutral and non-polar, at codon 4626 of the RYR1 protein (p.Glu4626Ala). This variant is not present in population databases (gnomAD no frequency). This variant has not been reported in the literature in individuals affected with RYR1-related conditions. Advanced modeling of protein sequence and biophysical properties (such as structural, functional, and spatial information, amino acid conservation, physicochemical variation, residue mobility, and thermodynamic stability) has been performed at Invitae for this missense variant, however the output from this modeling did not meet the statistical confidence thresholds required to predict the impact of this variant on RYR1 protein function. In summary, the available evidence is currently insufficient to determine the role of this variant in disease. Therefore, it has been classified as a Variant of Uncertain Significance.

NM_000540.3(RYR1):c.13877A>C (p.Glu4626Ala)

Gene: RYR1 (ryanodine receptor 1; plus strand). Cytogenetic location: 19q13.2.
Variant type: single nucleotide variant.
Coding change: c.13877A>C on transcript NM_000540.3 (MANE Select); coding-DNA position 13877, A replaced by C.
Protein change: p.Glu4626Ala; replaces glutamic acid 4626 with alanine.
Molecular consequence: missense variant.
Genome position (GRCh38, 1-based): chr19:38,572,149, A>C. VCF-style: chr19-38572149-A-C. GRCh37 (hg19) VCF-style: chr19-39062789-A-C.
Other names: c.13862A>C, p.Glu4621Ala (NM_001042723.2); short protein forms E4626A, E4621A.
Identifiers: ClinVar variation 3676301 (VCV003676301.2).